The following is an entry in ClinVar:

NM_000489.6(ATRX):c.1244C>T (p.Ser415Phe)

Gene: ATRX (ATRX chromatin remodeler; minus strand). Cytogenetic location: Xq21.1.
Variant type: single nucleotide variant.
Coding change: c.1244C>T on transcript NM_000489.6 (MANE Select); coding-DNA position 1244, C replaced by T.
Protein change: p.Ser415Phe; replaces serine 415 with phenylalanine.
Molecular consequence: missense variant.
Genome position (GRCh38, 1-based): chrX:77,684,012, G>A on the plus strand (C>T on the coding strand, the complement: ATRX is on the minus strand). VCF-style: chrX-77684012-G-A. GRCh37 (hg19) VCF-style: chrX-76939504-G-A.
Other names: c.1130C>T, p.Ser377Phe (NM_138270.5); short protein forms S377F, S415F.
Identifiers: ClinVar variation 4809384 (VCV004809384.1).

ClinVar aggregate classification (germline): Uncertain significance (1 of 4 stars; one submission).

Conditions:
Alpha thalassemia-X-linked intellectual disability syndrome (ATRX). Also called: ALPHA-THALASSEMIA/MENTAL RETARDATION SYNDROME, X-LINKED; ATR, NONDELETION TYPE; ATR-X syndrome; Alpha thalassemia mental retardation syndrome, nondeletion type, X-linked; XLMR hypotonic face syndrome; X-linked alpha-thalassemia-mental retardation syndrome. Identifiers: Orphanet 847, MedGen C1845055, MONDO:0010519, OMIM 301040.

Submission:

Labcorp Genetics (formerly Invitae), Labcorp
Classification: Uncertain significance for Alpha thalassemia-X-linked intellectual disability syndrome. Last evaluated: 2025-10-24. Review status: criteria provided, single submitter. Criteria: Invitae Variant Classification Sherloc (09022015). Collection method: clinical testing. Allele origin: germline.
Comment: This sequence change replaces serine, which is neutral and polar, with phenylalanine, which is neutral and non-polar, at codon 415 of the ATRX protein (p.Ser415Phe). This variant is not present in population databases (gnomAD no frequency). This variant has not been reported in the literature in individuals affected with ATRX-related conditions. Invitae Evidence Modeling of protein sequence and biophysical properties (such as structural, functional, and spatial information, amino acid conservation, physicochemical variation, residue mobility, and thermodynamic stability) indicates that this missense variant is not expected to disrupt ATRX protein function with a negative predictive value of 95%. In summary, the available evidence is currently insufficient to determine the role of this variant in disease. Therefore, it has been classified as a Variant of Uncertain Significance.